The following is an entry in ClinVar:

NM_000548.5(TSC2):c.679T>G (p.Cys227Gly)

Gene: TSC2 (TSC complex subunit 2; plus strand). Cytogenetic location: 16p13.3.
Variant type: single nucleotide variant.
Coding change: c.679T>G on transcript NM_000548.5 (MANE Select); coding-DNA position 679, T replaced by G.
Protein change: p.Cys227Gly; replaces cysteine 227 with glycine.
Molecular consequence: missense variant.
Genome position (GRCh38, 1-based): chr16:2,056,674, T>G. VCF-style: chr16-2056674-T-G. GRCh37 (hg19) VCF-style: chr16-2106675-T-G.
Other names: c.679T>G, p.Cys227Gly (NM_001077183.3, NM_001114382.3, NM_001363528.2 and 3 more transcripts); c.568T>G, p.Cys190Gly (NM_001318827.2); c.532T>G, p.Cys178Gly (NM_001318829.2); c.79T>G, p.Cys27Gly (NM_001318831.2); c.712T>G, p.Cys238Gly (NM_001318832.2); c.679T>G (NM_000548.3); short protein forms C178G, C190G, C227G, C238G, C27G.
Identifiers: ClinVar variation 1002815 (VCV001002815.10), dbSNP rs753197543, ClinGen allele CA056139.

ClinVar aggregate classification (germline): Conflicting classifications of pathogenicity. Review status: criteria provided, conflicting classifications (1 of 4 stars). 3 submissions from 3 submitters: Uncertain significance (2); Benign (1). Last evaluated 2026-02-24.

Conditions:
Hereditary cancer-predisposing syndrome. Also called: Tumor predisposition; Hereditary neoplastic syndrome; Neoplastic Syndromes, Hereditary; Hereditary Cancer Syndrome. Identifiers: Orphanet 140162, MedGen C0027672, MeSH D009386, MONDO:0015356.
Tuberous sclerosis 2 (TSC2). Identifiers: Orphanet 805, MedGen C1860707, MONDO:0013199, OMIM 613254.

Allele frequency attached by ClinVar (database versions not stated): gnomAD exomes below 0.00001 and 0.00001; ExAC 0.00001.
gnomAD v4.1: 4 of 1,612,308 alleles (0.00025%); highest among the groups gnomAD compares: Non-Finnish European, 0.00034%; no homozygotes.

Submissions (3):

GeneDx
Classification: Uncertain significance. Last evaluated: 2026-02-24. Review status: criteria provided, single submitter. Criteria: GeneDx Variant Classification Process June 2021. Collection method: clinical testing. Allele origin: germline.
Comment: In silico analysis supports that this missense variant has a deleterious effect on protein structure/function; Has not been previously published as pathogenic or benign to our knowledge; This variant is associated with the following publications: (PMID: 18466115)

Ambry Genetics
Classification: Uncertain significance for Hereditary cancer-predisposing syndrome. Last evaluated: 2024-01-07. Review status: criteria provided, single submitter. Criteria: Ambry Variant Classification Scheme 2023. Collection method: clinical testing. Allele origin: germline.
Comment: The p.C227G variant (also known as c.679T>G), located in coding exon 7 of the TSC2 gene, results from a T to G substitution at nucleotide position 679. The cysteine at codon 227 is replaced by glycine, an amino acid with highly dissimilar properties. This amino acid position is conserved. In addition, this alteration is predicted to be deleterious by in silico analysis. Since supporting evidence is limited at this time, the clinical significance of this alteration remains unclear.

Labcorp Genetics (formerly Invitae), Labcorp
Classification: Benign for Tuberous sclerosis 2. Last evaluated: 2022-07-25. Review status: criteria provided, single submitter. Criteria: Invitae Variant Classification Sherloc (09022015). Collection method: clinical testing. Allele origin: germline.